The following is an entry in ClinVar:

NM_053025.4(MYLK):c.2826G>C (p.Glu942Asp)

Gene: MYLK (myosin light chain kinase; minus strand). Cytogenetic location: 3q21.1.
Variant type: single nucleotide variant.
Coding change: c.2826G>C on transcript NM_053025.4 (MANE Select); coding-DNA position 2826, G replaced by C.
Protein change: p.Glu942Asp; replaces glutamic acid 942 with aspartic acid.
Molecular consequence: missense variant.
Genome position (GRCh38, 1-based): chr3:123,700,642, C>G on the plus strand (G>C on the coding strand, the complement: MYLK is on the minus strand). VCF-style: chr3-123700642-C-G. GRCh37 (hg19) VCF-style: chr3-123419489-C-G.
Other names: c.2298G>C, p.Glu766Asp (NM_001321309.2); c.2619G>C, p.Glu873Asp (NM_053026.4, NM_053028.4); c.2826G>C, p.Glu942Asp (NM_053027.4); short protein forms E873D, E942D, E766D.
Identifiers: ClinVar variation 4981341 (VCV004981341.1).

ClinVar aggregate classification (germline): Uncertain significance (1 of 4 stars; one submission).

Conditions:
MYLK-related disorder. Also called: MYLK-related condition.

gnomAD v4.1: 9 of 1,614,004 alleles (0.00056%); highest among the groups gnomAD compares: African/African-American, 0.011%; no homozygotes.

Submission:

PreventionGenetics, part of Exact Sciences
Classification: Uncertain significance for MYLK-related condition. Last evaluated: 2024-12-12. Review status: criteria provided, single submitter. Criteria: ACMG Guidelines, 2015. Collection method: clinical testing. Allele origin: germline.
Comment: The MYLK c.2826G>C variant is predicted to result in the amino acid substitution p.Glu942Asp. To our knowledge, this variant has not been reported in the literature. This variant is reported in 0.0062% of alleles in individuals of African descent in gnomAD. At this time, the clinical significance of this variant is uncertain due to the absence of conclusive functional and genetic evidence.